The following is an entry in ClinVar:

NM_000051.4(ATM):c.1995del (p.Ile665fs)

Gene: ATM (ATM serine/threonine kinase; plus strand). Cytogenetic location: 11q22.3.
Variant type: Deletion.
Coding change: c.1995del on transcript NM_000051.4 (MANE Select); coding-DNA position 1995, one base deleted (T; older notation c.1995delT).
Protein change: p.Ile665fs; shifts the reading frame from isoleucine 665.
Molecular consequence: frameshift variant.
Genome position (GRCh38, 1-based): chr11:108,253,910, T deleted; the last of 2 consecutive T bases (chr11:108,253,909-108,253,910); deleting either gives the same sequence. VCF-style (leftmost placement, unchanged base first): chr11-108253908-AT-A. GRCh37 (hg19) VCF-style: chr11-108124635-AT-A.
Other names: c.1995delT (NM_000051.3); c.1995del, p.Ile665fs (NM_001351834.2); short protein forms I665fs.
Identifiers: ClinVar variation 662776 (VCV000662776.6), dbSNP rs1591534382, ClinGen allele CA915948359.

ClinVar aggregate classification (germline): Pathogenic (1 of 4 stars; one submission).

Conditions:
Ataxia-telangiectasia syndrome (AT). Also called: Ataxia-telangiectasia, complementation group D; AT, COMPLEMENTATION GROUP C; Ataxia telangiectasia (A-T); Cerebello-oculocutaneous telangiectasia; Immunodeficiency with ataxia telangiectasia; ATAXIA-TELANGIECTASIA, COMPLEMENTATION GROUP A. Identifiers: Orphanet 100, MedGen C0004135, MONDO:0008840, OMIM 208900.

Submission:

Labcorp Genetics (formerly Invitae), Labcorp
Classification: Pathogenic for Ataxia-telangiectasia syndrome. Last evaluated: 2018-09-27. Review status: criteria provided, single submitter. Criteria: Invitae Variant Classification Sherloc (09022015). Collection method: clinical testing. Allele origin: germline.
Comment: This sequence change creates a premature translational stop signal (p.Ile665Metfs*2) in the ATM gene. It is expected to result in an absent or disrupted protein product. This variant is not present in population databases (ExAC no frequency). For these reasons, this variant has been classified as Pathogenic. Loss-of-function variants in ATM are known to be pathogenic (PMID: 23807571, 25614872). This variant has not been reported in the literature in individuals with ATM-related disease.

Literature cited by the submitters: PubMed 23807571; PubMed 25614872.